The following is an entry in ClinVar:

ClinVar aggregate classification (germline): Uncertain significance (1 of 4 stars; one submission).

Conditions:
Ullrich congenital muscular dystrophy 2 (UCMD2). Identifiers: Orphanet 75840, MedGen C4225314, MONDO:0014654, OMIM 616470.
Bethlem myopathy 2 (BTHLM2). Identifiers: Orphanet 536516, Orphanet 610, MedGen C4225313, MONDO:0034022, OMIM 616471.

Submission:

Labcorp Genetics (formerly Invitae), Labcorp
Classification: Uncertain significance for Bethlem myopathy 2; Ullrich congenital muscular dystrophy 2. Last evaluated: 2025-11-03. Review status: criteria provided, single submitter. Criteria: Invitae Variant Classification Sherloc (09022015). Collection method: clinical testing. Allele origin: germline.
Comment: This sequence change replaces isoleucine, which is neutral and non-polar, with threonine, which is neutral and polar, at codon 163 of the COL12A1 protein (p.Ile163Thr). This variant is not present in population databases (gnomAD no frequency). This variant has not been reported in the literature in individuals affected with COL12A1-related conditions. ClinVar contains an entry for this variant (Variation ID: 2930631). Invitae Evidence Modeling of protein sequence and biophysical properties (such as structural, functional, and spatial information, amino acid conservation, physicochemical variation, residue mobility, and thermodynamic stability) indicates that this missense variant is not expected to disrupt COL12A1 protein function with a negative predictive value of 80%. In summary, the available evidence is currently insufficient to determine the role of this variant in disease. Therefore, it has been classified as a Variant of Uncertain Significance.

NM_004370.6(COL12A1):c.488T>C (p.Ile163Thr)

Gene: COL12A1 (collagen type XII alpha 1 chain; minus strand). Cytogenetic location: 6q13.
Variant type: single nucleotide variant.
Coding change: c.488T>C on transcript NM_004370.6 (MANE Select); coding-DNA position 488, T replaced by C.
Protein change: p.Ile163Thr; replaces isoleucine 163 with threonine.
Molecular consequence: missense variant. On other transcripts: intron variant (2).
Genome position (GRCh38, 1-based): chr6:75,189,722, A>G on the plus strand (T>C on the coding strand, the complement: COL12A1 is on the minus strand). VCF-style: chr6-75189722-A-G. GRCh37 (hg19) VCF-style: chr6-75899438-A-G.
Other names: c.488T>C, p.Ile163Thr (NM_001424113.1, NM_001424114.1, NM_001424115.1); c.73+12998T>C (NM_001424116.1, NM_080645.3); short protein forms I163T.
Identifiers: ClinVar variation 2930631 (VCV002930631.3), dbSNP rs1769828863, ClinGen allele CA364729614.